The following is an entry in ClinVar:

ClinVar aggregate classification (germline): Benign (1 of 4 stars; one submission).

Conditions:
Lynch syndrome 4 (LYNCH4). Also called: Colorectal cancer, hereditary nonpolyposis, type 4; Hereditary non-polyposis colorectal cancer, type 4. Identifiers: Orphanet 144, MedGen C1838333, MONDO:0013699, OMIM 614337. Disease mechanism: loss of function.

gnomAD v4.1: 5 of 1,614,184 alleles (0.00031%); highest among the groups gnomAD compares: East Asian, 0.0022%; no homozygotes.

Submission:

Myriad Genetics, Inc.
Classification: Benign for Lynch syndrome 4. Last evaluated: 2025-01-31. Review status: criteria provided, single submitter. Criteria: Myriad Autosomal Dominant, Autosomal Recessive and X-Linked Classification Criteria (2023). Collection method: clinical testing. Allele origin: unknown.
Comment: This variant is considered benign. This variant is a silent/synonymous amino acid change and it is not expected to impact splicing.

NM_000535.7(PMS2):c.1737T>C (p.Phe579=)

Gene: PMS2 (PMS1 homolog 2, mismatch repair system component; minus strand). Cytogenetic location: 7p22.1.
Variant type: single nucleotide variant.
Coding change: c.1737T>C on transcript NM_000535.7 (MANE Select); coding-DNA position 1737, T replaced by C.
Protein change: p.Phe579=; no amino-acid change (phenylalanine 579 retained).
Molecular consequence: synonymous variant. On other transcripts: non-coding transcript variant (1), intron variant (1).
Genome position (GRCh38, 1-based): chr7:5,987,028, A>G on the plus strand (T>C on the coding strand, the complement: PMS2 is on the minus strand). VCF-style: chr7-5987028-A-G. GRCh37 (hg19) VCF-style: chr7-6026659-A-G.
Other names: c.1332T>C, p.Phe444= (NM_001322003.2, NM_001322004.2, NM_001322005.2 and 16 more transcripts); c.1581T>C, p.Phe527= (NM_001322006.2, NM_001406870.1); c.1419T>C, p.Phe473= (NM_001322007.2, NM_001322008.2, NM_001406876.1 and 2 more transcripts); c.1176T>C, p.Phe392= (NM_001322010.2, NM_001406906.1, NM_001406907.1); c.804T>C, p.Phe268= (NM_001322011.2, NM_001322012.2); c.1164T>C, p.Phe388= (NM_001322013.2, NM_001406909.1); c.1737T>C, p.Phe579= (NM_001322014.2, NM_001406871.1, NM_001406872.1); c.1428T>C, p.Phe476= (NM_001322015.2, NM_001406875.1, NM_001406877.1 and 5 more transcripts); and 13 more.
Identifiers: ClinVar variation 3903571 (VCV003903571.1).